The following is an entry in ClinVar:

ClinVar aggregate classification (germline): Uncertain significance. Review status: criteria provided, multiple submitters, no conflicts (2 of 4 stars). 3 submissions from 3 submitters: Uncertain significance (2). 1 of the submissions does not count toward it. Last evaluated 2024-03-06.

Conditions:
Ataxia-telangiectasia syndrome (AT). Also called: ATAXIA-TELANGIECTASIA, COMPLEMENTATION GROUP A; Ataxia-telangiectasia, complementation group E; Cerebello-oculocutaneous telangiectasia; Immunodeficiency with ataxia telangiectasia; LOUIS-BAR SYNDROME; ATAXIA-TELANGIECTASIA, FRESNO VARIANT. Identifiers: Orphanet 100, MedGen C0004135, MONDO:0008840, OMIM 208900.
Hereditary cancer-predisposing syndrome. Also called: Hereditary Cancer Syndrome; Tumor predisposition; Neoplastic Syndromes, Hereditary; Hereditary neoplastic syndrome. Identifiers: Orphanet 140162, MedGen C0027672, MeSH D009386, MONDO:0015356.

Submissions (3):

Ambry Genetics
Classification: Uncertain significance for Hereditary cancer-predisposing syndrome. Last evaluated: 2024-03-06. Review status: criteria provided, single submitter. Criteria: Ambry Variant Classification Scheme 2023. Collection method: clinical testing. Allele origin: germline.
Comment: The p.R76I variant (also known as c.227G>T), located in coding exon 3 of the ATM gene, results from a G to T substitution at nucleotide position 227. The arginine at codon 76 is replaced by isoleucine, an amino acid with similar properties. This amino acid position is conserved. In addition, this alteration is predicted to be tolerated by in silico analysis. Based on the available evidence, the clinical significance of this alteration remains unclear.

Color Diagnostics, LLC DBA Color Health
Classification: Uncertain significance for Hereditary cancer-predisposing syndrome. Last evaluated: 2023-06-13. Review status: criteria provided, single submitter. Criteria: ACMG Guidelines, 2015. Collection method: clinical testing. Allele origin: germline.
Comment: This missense variant replaces arginine with isoleucine at codon 76 of the ATM protein. Computational prediction suggests that this variant may not impact protein structure and function (internally defined REVEL score threshold <= 0.5, PMID: 27666373). To our knowledge, functional studies have not been reported for this variant. This variant has not been reported in individuals affected with ATM-related disorders in the literature. This variant has not been identified in the general population by the Genome Aggregation Database (gnomAD). The available evidence is insufficient to determine the role of this variant in disease conclusively. Therefore, this variant is classified as a Variant of Uncertain Significance.

Natera, Inc.
Classification: Uncertain significance for Ataxia-telangiectasia. Last evaluated: 2025-05-22. Review status: no assertion criteria provided. Collection method: clinical testing. Allele origin: germline. Not counted in ClinVar's aggregate classification.

NM_000051.4(ATM):c.227G>T (p.Arg76Ile)

Gene: ATM (ATM serine/threonine kinase; plus strand). Cytogenetic location: 11q22.3.
Variant type: single nucleotide variant.
Coding change: c.227G>T on transcript NM_000051.4 (MANE Select); coding-DNA position 227, G replaced by T.
Protein change: p.Arg76Ile; replaces arginine 76 with isoleucine.
Molecular consequence: missense variant.
Genome position (GRCh38, 1-based): chr11:108,229,219, G>T. VCF-style: chr11-108229219-G-T. GRCh37 (hg19) VCF-style: chr11-108099946-G-T.
Other names: c.227G>T, p.Arg76Ile (NM_001351834.2, NM_001351835.2, NM_001351836.2); short protein forms R76I.
Identifiers: ClinVar variation 3232364 (VCV003232364.3), dbSNP rs1565346853, ClinGen allele CA382521443.
Genomic context (GRCh38, chr11:108,229,219, plus strand): 5'-GCATTTTGTTTTCTTGAAGATTTTTACAGAAATATATTCAGAAAGAAACAGAATGTCTGA[G>T]AATAGCAAAACCAAATGTATCAGCCTCAACACAAGCCTCCAGGCAGAAAAAGATGCAGGA-3'
Protein context (NP_000042.3, residues 66-86): KYIQKETECL[Arg76Ile]IAKPNVSAST